The following is an entry in ClinVar:

NM_000179.3(MSH6):c.249T>G (p.Ala83=)

Genes: MSH6 (mutS homolog 6; plus strand), LOC129933707 (ATAC-STARR-seq lymphoblastoid silent region 11468; plus strand). Cytogenetic location: 2p16.3.
Variant type: single nucleotide variant.
Coding change: c.249T>G on transcript NM_000179.3 (MANE Select); coding-DNA position 249, T replaced by G.
Protein change: p.Ala83=; no amino-acid change (alanine 83 retained).
Molecular consequence: synonymous variant. On other transcripts: 5 prime UTR variant (1), intron variant (1).
Genome position (GRCh38, 1-based): chr2:47,783,482, T>G. VCF-style: chr2-47783482-T-G. GRCh37 (hg19) VCF-style: chr2-48010621-T-G.
Other names: c.-488T>G (NM_001281493.2); c.237+12T>G (NM_001281492.2).
Identifiers: ClinVar variation 229968 (VCV000229968.25), dbSNP rs876658308, ClinGen allele CA10578030.

ClinVar aggregate classification (germline): Conflicting classifications of pathogenicity. Review status: criteria provided, conflicting classifications (1 of 4 stars). 7 submissions from 7 submitters: Uncertain significance (1); Benign (1); Likely benign (4). 1 of the submissions does not count toward it. Last evaluated 2026-01-16.

Conditions:
Hereditary nonpolyposis colorectal neoplasms. Identifiers: MedGen C0009405, MeSH D003123.
Hereditary cancer-predisposing syndrome. Also called: Hereditary neoplastic syndrome; Hereditary Cancer Syndrome; Neoplastic Syndromes, Hereditary; Tumor predisposition. Identifiers: Orphanet 140162, MedGen C0027672, MeSH D009386, MONDO:0015356.
Lynch syndrome. Identifiers: Orphanet 144, MedGen C4552100, MONDO:0005835. Disease mechanism: loss of function.
Lynch syndrome 5 (LYNCH5). Also called: Colorectal cancer, hereditary nonpolyposis, type 5; Hereditary non-polyposis colorectal cancer, type 5. Identifiers: Orphanet 144, MedGen C1833477, MONDO:0013710, OMIM 614350. Disease mechanism: loss of function.

Allele frequency attached by ClinVar (database versions not stated): gnomAD exomes 0.00001; TOPMed 0.00001.
gnomAD v4.1: 14 of 1,427,084 alleles (0.00098%); highest among the groups gnomAD compares: Non-Finnish European, 0.0011%; no homozygotes.

Submissions (7):

Labcorp Genetics (formerly Invitae), Labcorp
Classification: Likely benign for Hereditary nonpolyposis colorectal neoplasms. Last evaluated: 2026-01-16. Review status: criteria provided, single submitter. Criteria: Invitae Variant Classification Sherloc (09022015). Collection method: clinical testing. Allele origin: germline.

All of Us Research Program, National Institutes of Health
Classification: Likely benign for Lynch syndrome. Last evaluated: 2023-08-15. Review status: criteria provided, single submitter. Criteria: ACMG Guidelines, 2015. Collection method: clinical testing. Allele origin: germline. Inheritance: Autosomal dominant inheritance. Observed: 3 variant alleles, 3 heterozygotes.
Comment: This study involves interpretation of variants in research participants for the purpose of population health screening. Participant phenotype was not available at the time of variant classification. Additional details can be found in publication PMID: 35346344, PMCID: PMC8962531

Myriad Genetics, Inc.
Classification: Benign for Lynch syndrome 5. Last evaluated: 2023-03-27. Review status: criteria provided, single submitter. Criteria: Myriad Autosomal Dominant, Autosomal Recessive and X-Linked Classification Criteria (2023). Collection method: clinical testing. Allele origin: unknown.
Comment: This variant is considered benign. This variant is a silent/synonymous amino acid change and it is not expected to impact splicing.

Illumina Laboratory Services, Illumina
Classification: Uncertain significance for Lynch syndrome 5. Last evaluated: 2018-01-12. Review status: criteria provided, single submitter. Criteria: ICSL Variant Classification Criteria 13 December 2019. Collection method: clinical testing. Allele origin: germline.

Color Diagnostics, LLC DBA Color Health
Classification: Likely benign for Hereditary cancer-predisposing syndrome. Last evaluated: 2017-10-20. Review status: criteria provided, single submitter. Criteria: ACMG Guidelines, 2015. Collection method: clinical testing. Allele origin: germline.

Ambry Genetics
Classification: Likely benign for Hereditary cancer-predisposing syndrome. Last evaluated: 2015-01-07. Review status: criteria provided, single submitter. Criteria: Ambry Variant Classification Scheme 2023. Collection method: clinical testing. Allele origin: germline.

Counsyl
Classification: Likely benign for Lynch syndrome 5. Last evaluated: 2018-02-09. Review status: no assertion criteria provided. Collection method: clinical testing. Allele origin: unknown. Not counted in ClinVar's aggregate classification.